The following is an entry in ClinVar:

NM_001018005.2(TPM1):c.20A>T (p.Lys7Met)

Gene: TPM1 (tropomyosin 1; plus strand). Cytogenetic location: 15q22.2.
Variant type: single nucleotide variant.
Coding change: c.20A>T on transcript NM_001018005.2 (MANE Select); coding-DNA position 20, A replaced by T.
Protein change: p.Lys7Met; replaces lysine 7 with methionine.
Molecular consequence: missense variant. On other transcripts: non-coding transcript variant (11).
Genome position (GRCh38, 1-based): chr15:63,042,849, A>T. VCF-style: chr15-63042849-A-T. GRCh37 (hg19) VCF-style: chr15-63335048-A-T.
Other names: c.20A>T, p.Lys7Met (NM_001407332.1, NM_001407333.1, NM_001407334.1 and 24 more transcripts); short protein forms K7M.
Identifiers: ClinVar variation 4768151 (VCV004768151.2).
Genomic context (GRCh38, chr15:63,042,849, plus strand): 5'-CCGCTCCTGCTGCAGCCCCAGGGCCCCTCGCCGCCGCCACCATGGACGCCATCAAGAAGA[A>T]GATGCAGATGCTGAAGCTCGACAAGGAGAACGCCTTGGATCGAGCTGAGCAGGCGGAGGC-3'
Protein context (NP_001018005.1, residues 1-17): MDAIKK[Lys7Met]MQMLKLDKEN

ClinVar aggregate classification (germline): Uncertain significance. Review status: criteria provided, multiple submitters, no conflicts (2 of 4 stars). 2 submissions from 2 submitters: Uncertain significance (2). Last evaluated 2026-03-26.

Conditions:
Hypertrophic cardiomyopathy. Also called: HYPERTROPHIC MYOCARDIOPATHY. Identifiers: Orphanet 217569, MedGen C0007194, MeSH D002312, MONDO:0005045, HP:0001639.
Dilated cardiomyopathy 1Y (CMD1Y). Identifiers: Orphanet 154, Orphanet 54260, MedGen C2678476, MONDO:0012744, OMIM 611878.

Submissions (2):

Victorian Clinical Genetics Services, Murdoch Childrens Research Institute
Classification: Uncertain significance for Dilated cardiomyopathy 1Y. Last evaluated: 2026-03-26. Review status: criteria provided, single submitter. Criteria: ACMG Guidelines, 2015. Collection method: clinical testing. Allele origin: germline.
Comment: This variant is classified as VUS-3A. Evidence in support of pathogenic classification: Variant is absent from gnomAD (v2, v3 and v4); Missense variant predicted to be damaging by in silico tool(s) or highly conserved with a major amino acid change. Additional information: Variant is predicted to result in a missense amino acid change from Lys to Met; This variant is heterozygous; This gene is associated with autosomal dominant dilated cardiomyopathy 1Y (MIM#611878), hypertrophic cardiomyopathy 3 (MIM#115196), and left ventricular noncompaction 9 (MIM#611878); Previous evidence of pathogenicity for this variant is inconclusive. This variant has been classified as a VUS by a clinical laboratory in ClinVar; No published functional evidence has been identified for this variant; No comparable missense variants have previous evidence for pathogenicity; Variant is located in the annotated tropomyosin domain (DECIPHER) ; The mechanism of disease for this gene is not clearly established. Variants proposed to act in a dominant negative manner have been associated with HCM (PMID: 24005378). However, a more recent study has shown that a missense variant associated with HCM resulted in increased calcium sensitivity and hypercontractility, whereas a missense variant associated with DCM appeared to decrease contractility (PMID: 39436707); The condition associated with this gene has incomplete penetrance (PMIDs: 33642254, 32882290, 32731933); Inheritance information for this variant is not currently available in this individual.

Labcorp Genetics (formerly Invitae), Labcorp
Classification: Uncertain significance for Hypertrophic cardiomyopathy. Last evaluated: 2025-08-06. Review status: criteria provided, single submitter. Criteria: Invitae Variant Classification Sherloc (09022015). Collection method: clinical testing. Allele origin: germline.
Comment: This sequence change replaces lysine, which is basic and polar, with methionine, which is neutral and non-polar, at codon 7 of the TPM1 protein (p.Lys7Met). This variant is not present in population databases (gnomAD no frequency). This variant has not been reported in the literature in individuals affected with TPM1-related conditions. An algorithm developed to predict the effect of missense changes on protein structure and function (PolyPhen-2) suggests that this variant is likely to be disruptive. In summary, the available evidence is currently insufficient to determine the role of this variant in disease. Therefore, it has been classified as a Variant of Uncertain Significance.

Literature cited by the submitters: PubMed 39436707 (cited by Victorian Clinical Genetics Services, Murdoch Childrens Research Institute); PubMed 33642254 (cited by Victorian Clinical Genetics Services, Murdoch Childrens Research Institute); PubMed 32731933 (cited by Victorian Clinical Genetics Services, Murdoch Childrens Research Institute); PubMed 24005378 (cited by Victorian Clinical Genetics Services, Murdoch Childrens Research Institute); PubMed 32882290 (cited by Victorian Clinical Genetics Services, Murdoch Childrens Research Institute).